The following is an entry in ClinVar:

ClinVar aggregate classification (germline): Uncertain significance (1 of 4 stars; one submission).

Submission:

Labcorp Genetics (formerly Invitae), Labcorp
Classification: Uncertain significance. Last evaluated: 2025-11-04. Review status: criteria provided, single submitter. Criteria: Invitae Variant Classification Sherloc (09022015). Collection method: clinical testing. Allele origin: germline.
Comment: This sequence change replaces serine, which is neutral and polar, with threonine, which is neutral and polar, at codon 1013 of the AUTS2 protein (p.Ser1013Thr). This variant is not present in population databases (gnomAD no frequency). This variant has not been reported in the literature in individuals affected with AUTS2-related conditions. Invitae Evidence Modeling of protein sequence and biophysical properties (such as structural, functional, and spatial information, amino acid conservation, physicochemical variation, residue mobility, and thermodynamic stability) indicates that this missense variant is not expected to disrupt AUTS2 protein function with a negative predictive value of 80%. In summary, the available evidence is currently insufficient to determine the role of this variant in disease. Therefore, it has been classified as a Variant of Uncertain Significance.

NM_015570.4(AUTS2):c.3038G>C (p.Ser1013Thr)

Gene: AUTS2 (activator of transcription and developmental regulator AUTS2; plus strand). Cytogenetic location: 7q11.22.
Variant type: single nucleotide variant.
Coding change: c.3038G>C on transcript NM_015570.4 (MANE Select); coding-DNA position 3038, G replaced by C.
Protein change: p.Ser1013Thr; replaces serine 1013 with threonine.
Molecular consequence: missense variant.
Genome position (GRCh38, 1-based): chr7:70,790,254, G>C. VCF-style: chr7-70790254-G-C. GRCh37 (hg19) VCF-style: chr7-70255240-G-C.
Other names: c.2966G>C, p.Ser989Thr (NM_001127231.3); short protein forms S1013T, S989T.
Identifiers: ClinVar variation 4797615 (VCV004797615.1).